The following is an entry in ClinVar:

NM_000143.4(FH):c.373G>C (p.Asp125His)

Gene: FH (fumarate hydratase; minus strand). Cytogenetic location: 1q43.
Variant type: single nucleotide variant.
Coding change: c.373G>C on transcript NM_000143.4 (MANE Select); coding-DNA position 373, G replaced by C.
Protein change: p.Asp125His; replaces aspartic acid 125 with histidine.
Molecular consequence: missense variant.
Genome position (GRCh38, 1-based): chr1:241,513,608, C>G on the plus strand (G>C on the coding strand, the complement: FH is on the minus strand). VCF-style: chr1-241513608-C-G. GRCh37 (hg19) VCF-style: chr1-241676908-C-G.
Other names: short protein forms D125H.
Identifiers: ClinVar variation 1525580 (VCV001525580.8), dbSNP rs2147922936, ClinGen allele CA345440434.

ClinVar aggregate classification (germline): Uncertain significance (1 of 4 stars; one submission).

Submission:

Labcorp Genetics (formerly Invitae), Labcorp
Classification: Uncertain significance. Last evaluated: 2021-04-12. Review status: criteria provided, single submitter. Criteria: Invitae Variant Classification Sherloc (09022015). Collection method: clinical testing. Allele origin: germline.
Comment: In summary, the available evidence is currently insufficient to determine the role of this variant in disease. Therefore, it has been classified as a Variant of Uncertain Significance. Advanced modeling of protein sequence and biophysical properties (such as structural, functional, and spatial information, amino acid conservation, physicochemical variation, residue mobility, and thermodynamic stability) performed at Invitae indicates that this missense variant is expected to disrupt FH protein function. This variant has not been reported in the literature in individuals with FH-related conditions. This variant is not present in population databases (ExAC no frequency). This sequence change replaces aspartic acid with histidine at codon 125 of the FH protein (p.Asp125His). The aspartic acid residue is highly conserved and there is a moderate physicochemical difference between aspartic acid and histidine.